The following is an entry in ClinVar:

ClinVar aggregate classification (germline): Uncertain significance (1 of 4 stars; one submission).

Conditions:
COG6-congenital disorder of glycosylation. Also called: CONGENITAL DISORDER OF GLYCOSYLATION, TYPE IIl; CDG IIl; COG6-CGD; COG6-ongenital disorder of glycosylation. Identifiers: Orphanet 464443, MedGen C3553230, MONDO:0013810, OMIM 614576.

Submission:

Victorian Clinical Genetics Services, Murdoch Childrens Research Institute
Classification: Uncertain significance for COG6-congenital disorder of glycosylation. Last evaluated: 2020-06-11. Review status: criteria provided, single submitter. Criteria: ACMG Guidelines, 2015. Collection method: clinical testing. Allele origin: germline. Inheritance: Autosomal recessive inheritance. Affected: yes.
Comment: Based on the classification scheme VCGS_Germline_v1.1.1, this variant is classified as 3A-VUS. Following criteria are met: 0102 - Loss-of-function is a known mechanism of disease for this gene. (N) 0106 - This gene is known to be associated with autosomal recessive disease. (N) 0211 - Canonical splice site variant without proven consequence on splicing (no functional evidence available). (P) 0251 - Variant is heterozygous. (N) 0301 - Variant is absent from gnomAD. (P) 0505 - Abnormal splicing is predicted by in silico tools and affected nucleotide is highly conserved. (P) 0705 - No comparable variants have previous evidence for pathogenicity. (N) 0807 - Variant has not previously been reported in a clinical context. (N) 0905 - No segregation evidence has been identified for this variant in the literature. (N) 1007 - No published functional evidence has been identified for this variant in the literature. (N) 1208 - Inheritance information for this variant is not currently available. (N) Legend: (P) - Pathogenic, (N) - Neutral, (B) - Benign

NM_020751.3(COG6):c.623+1G>T

Gene: COG6 (component of oligomeric golgi complex 6; plus strand). Cytogenetic location: 13q14.11.
Variant type: single nucleotide variant.
Coding change: c.623+1G>T on transcript NM_020751.3 (MANE Select); the canonical splice donor site of the intron after coding-DNA position 623, G replaced by T.
Molecular consequence: splice donor variant.
Genome position (GRCh38, 1-based): chr13:39,679,621, G>T. VCF-style: chr13-39679621-G-T. GRCh37 (hg19) VCF-style: chr13-40253758-G-T.
Other names: c.623+1G>T (NM_001145079.2).
Identifiers: ClinVar variation 1805531 (VCV001805531.1), dbSNP rs2500577103, ClinGen allele CA387909213.